The following is an entry in ClinVar:

ClinVar aggregate classification (germline): Uncertain significance. Review status: criteria provided, multiple submitters, no conflicts (2 of 4 stars). 4 submissions from 3 submitters: Uncertain significance (4). Last evaluated 2024-12-10.

Conditions:
Combined oxidative phosphorylation defect type 8. Also called: CARDIOMYOPATHY, HYPERTROPHIC MITOCHONDRIAL, FATAL INFANTILE. Identifiers: Orphanet 319504, MedGen C4518839, MONDO:0013570, OMIM 614096.
Inborn genetic diseases. Identifiers: MedGen C0950123, MeSH D030342.
Leukoencephalopathy, progressive, with ovarian failure (LKENP). Identifiers: Orphanet 99853, MedGen C4014588, MONDO:0014387, OMIM 615889.

Allele frequency attached by ClinVar (database versions not stated): ExAC 0.00003; gnomAD exomes 0.00003; gnomAD 0.00017 and 0.00019; TOPMed 0.00020; ESP Exome Variant Server 0.00023.

Submissions (4):

Ambry Genetics
Classification: Uncertain significance for Inborn genetic diseases. Last evaluated: 2024-12-10. Review status: criteria provided, single submitter. Criteria: Ambry Variant Classification Scheme 2023. Collection method: clinical testing. Allele origin: germline.

GeneDx
Classification: Uncertain significance. Last evaluated: 2024-11-22. Review status: criteria provided, single submitter. Criteria: GeneDx Variant Classification Process June 2021. Collection method: clinical testing. Allele origin: germline. Affected: yes.
Comment: In silico analysis indicates that this missense variant does not alter protein structure/function; Has not been previously published as pathogenic or benign to our knowledge

Baylor Genetics
Classification: Uncertain significance for Leukoencephalopathy, progressive, with ovarian failure. Last evaluated: 2022-01-27. Review status: criteria provided, single submitter. Criteria: ACMG Guidelines, 2015. Collection method: clinical testing. Allele origin: unknown.

Baylor Genetics
Classification: Uncertain significance for Combined oxidative phosphorylation defect type 8. Last evaluated: 2019-09-18. Review status: criteria provided, single submitter. Criteria: ACMG Guidelines, 2015. Collection method: clinical testing. Allele origin: unknown. Affected: yes.
Comment: This variant was determined to be of uncertain significance according to ACMG Guidelines, 2015 [PMID:25741868].

NM_020745.4(AARS2):c.1157C>T (p.Ala386Val)

Gene: AARS2 (alanyl-tRNA synthetase 2, mitochondrial; minus strand). Cytogenetic location: 6p21.1.
Variant type: single nucleotide variant.
Coding change: c.1157C>T on transcript NM_020745.4 (MANE Select); coding-DNA position 1157, C replaced by T.
Protein change: p.Ala386Val; replaces alanine 386 with valine.
Molecular consequence: missense variant.
Genome position (GRCh38, 1-based): chr6:44,306,525, G>A on the plus strand (C>T on the coding strand, the complement: AARS2 is on the minus strand). VCF-style: chr6-44306525-G-A. GRCh37 (hg19) VCF-style: chr6-44274262-G-A.
Other names: c.1157C>T (NM_020745.2); short protein forms A386V.
Identifiers: ClinVar variation 1030725 (VCV001030725.8), dbSNP rs143271585, ClinGen allele CA3834415.
Genomic context (GRCh38, chr6:44,306,525, plus strand): 5'-CCCCTTTCTCTCCCACTGGAATCCAGTACCTGGGCTGAGTTCCTTTGCAGTTCTGGATAA[G>A]CATCTCCCTGGGGGAGGTGGAGAGGGCTGAGGAGGTGTGAAAGGCAACCAACCCACCCCC-3'
Protein context (NP_065796.2, residues 376-396): VPVVVETLGD[Ala386Val]YPELQRNSAQ